The following is an entry in ClinVar:

NM_015896.4(ZMYND10):c.999+7A>T

Gene: ZMYND10 (zinc finger MYND-type containing 10; minus strand). Cytogenetic location: 3p21.31.
Variant type: single nucleotide variant.
Coding change: c.999+7A>T on transcript NM_015896.4 (MANE Select); 7 bases into the intron after coding-DNA position 999, A replaced by T.
Molecular consequence: intron variant.
Genome position (GRCh38, 1-based): chr3:50,342,008, T>A on the plus strand (A>T on the coding strand, the complement: ZMYND10 is on the minus strand). VCF-style: chr3-50342008-T-A. GRCh37 (hg19) VCF-style: chr3-50379439-T-A.
Other names: p.?; c.984+7A>T (NM_001308379.2); c.999+7A>T (NM_015896.3).
Identifiers: ClinVar variation 525561 (VCV000525561.14), dbSNP rs188791547, ClinGen allele CA2417033.
Genomic context (GRCh38, chr3:50,342,008, plus strand): 5'-GAGAGTGGCAGGAAGGTGCTGGTAAAGTGGGACAGTGGTCCTGAGCAGCTAACTTTCCAG[T>A]GCCTACCTGTTCCAACACCAGGTCCTTCTTAGGAGGCTGGGTTTCAGTTAGGGTCAGATG-3'

ClinVar aggregate classification (germline): Likely benign. Review status: criteria provided, multiple submitters, no conflicts (2 of 4 stars). 4 submissions from 4 submitters: Likely benign (3). 1 of the submissions does not count toward it. Last evaluated 2025-12-16.

Conditions:
Primary ciliary dyskinesia. Also called: Ciliary dyskinesia. Identifiers: Orphanet 244, MedGen C0008780, MONDO:0016575, HP:0012265.
ZMYND10-related disorder. Also called: ZMYND10-related condition.

Allele frequency attached by ClinVar (database versions not stated): ESP Exome Variant Server 0.00008; gnomAD 0.00009 and 0.00012; TOPMed 0.00009; gnomAD exomes 0.00010 and 0.00016; ExAC 0.00015; 1000 Genomes Project 0.00040; 1000 Genomes Project 30x 0.00047.

Submissions (4):

Labcorp Genetics (formerly Invitae), Labcorp
Classification: Likely benign for Primary ciliary dyskinesia. Last evaluated: 2025-12-16. Review status: criteria provided, single submitter. Criteria: Invitae Variant Classification Sherloc (09022015). Collection method: clinical testing. Allele origin: germline.

Mayo Clinic Laboratories, Mayo Clinic
Classification: Likely benign. Last evaluated: 2025-03-06. Review status: criteria provided, single submitter. Criteria: ACMG Guidelines, 2015. Collection method: clinical testing. Allele origin: germline. Observed: 1 variant allele.
Comment: BP4, BP7

Breakthrough Genomics
Classification: Likely benign. Review status: criteria provided, single submitter. Criteria: ACMG Guidelines, 2015. Collection method: not provided. Allele origin: germline. Inheritance: Autosomal recessive inheritance. Affected: yes.

PreventionGenetics, part of Exact Sciences
Classification: Likely benign for ZMYND10-related condition. Last evaluated: 2019-06-20. Review status: no assertion criteria provided. Collection method: clinical testing. Allele origin: germline. Not counted in ClinVar's aggregate classification.
Comment: This variant is classified as likely benign based on ACMG/AMP sequence variant interpretation guidelines (Richards et al. 2015 PMID: 25741868, with internal and published modifications).